The following is an entry in ClinVar:

ClinVar aggregate classification (germline): Uncertain significance (1 of 4 stars; one submission).

Allele frequency attached by ClinVar (database versions not stated): TOPMed below 0.00001.
gnomAD v4.1: 8 of 1,613,298 alleles (0.0005%); highest among the groups gnomAD compares: Non-Finnish European, 0.00042%; no homozygotes.

Submission:

Labcorp Genetics (formerly Invitae), Labcorp
Classification: Uncertain significance. Last evaluated: 2021-12-17. Review status: criteria provided, single submitter. Criteria: Invitae Variant Classification Sherloc (09022015). Collection method: clinical testing. Allele origin: germline.
Comment: This sequence change replaces aspartic acid, which is acidic and polar, with glycine, which is neutral and non-polar, at codon 234 of the PLOD3 protein (p.Asp234Gly). This variant is present in population databases (rs751428470, gnomAD 0.008%). This variant has not been reported in the literature in individuals affected with PLOD3-related conditions. Algorithms developed to predict the effect of missense changes on protein structure and function output the following: SIFT: "Tolerated"; PolyPhen-2: "Benign"; Align-GVGD: "Class C0". The glycine amino acid residue is found in multiple mammalian species, which suggests that this missense change does not adversely affect protein function. In summary, the available evidence is currently insufficient to determine the role of this variant in disease. Therefore, it has been classified as a Variant of Uncertain Significance.

NM_001084.5(PLOD3):c.701A>G (p.Asp234Gly)

Gene: PLOD3 (procollagen-lysine,2-oxoglutarate 5-dioxygenase 3; minus strand). Cytogenetic location: 7q22.1.
Variant type: single nucleotide variant.
Coding change: c.701A>G on transcript NM_001084.5 (MANE Select); coding-DNA position 701, A replaced by G.
Protein change: p.Asp234Gly; replaces aspartic acid 234 with glycine.
Molecular consequence: missense variant.
Genome position (GRCh38, 1-based): chr7:101,213,183, T>C on the plus strand (A>G on the coding strand, the complement: PLOD3 is on the minus strand). VCF-style: chr7-101213183-T-C. GRCh37 (hg19) VCF-style: chr7-100856464-T-C.
Other names: short protein forms D234G.
Identifiers: ClinVar variation 2175782 (VCV002175782.4), dbSNP rs751428470, ClinGen allele CA4408065.